The following is an entry in ClinVar:

ClinVar aggregate classification (germline): Pathogenic (1 of 4 stars; one submission).

Conditions:
Hereditary breast ovarian cancer syndrome. Also called: Hereditary breast and ovarian cancer syndrome (HBOC); Hereditary breast and ovarian cancer syndrome; Hereditary breast and/or ovarian cancer syndrome; Hereditary breast and ovarian cancer; Breast and ovarian cancer; BRCA1- and BRCA2-Associated Hereditary Breast and Ovarian Cancer. Identifiers: Orphanet 145, MedGen C0677776, MeSH D061325, MONDO:0003582. Disease mechanism: loss of function.

Submission:

Labcorp Genetics (formerly Invitae), Labcorp
Classification: Pathogenic for Hereditary breast ovarian cancer syndrome. Last evaluated: 2023-04-18. Review status: criteria provided, single submitter. Criteria: Invitae Variant Classification Sherloc (09022015). Collection method: clinical testing. Allele origin: germline.
Comment: For these reasons, this variant has been classified as Pathogenic. This variant has not been reported in the literature in individuals affected with BRCA2-related conditions. This variant is not present in population databases (gnomAD no frequency). This sequence change creates a premature translational stop signal (p.Lys1944*) in the BRCA2 gene. It is expected to result in an absent or disrupted protein product. Loss-of-function variants in BRCA2 are known to be pathogenic (PMID: 20104584).

Literature cited by the submitters: PubMed 20104584.

NM_000059.4(BRCA2):c.5830A>T (p.Lys1944Ter)

Gene: BRCA2 (BRCA2 DNA repair associated; plus strand). Cytogenetic location: 13q13.1.
Variant type: single nucleotide variant.
Coding change: c.5830A>T on transcript NM_000059.4 (MANE Select); coding-DNA position 5830, A replaced by T.
Protein change: p.Lys1944Ter; replaces lysine 1944 with a stop codon.
Molecular consequence: nonsense. On other transcripts: non-coding transcript variant (1), intron variant (2).
Genome position (GRCh38, 1-based): chr13:32,340,185, A>T. VCF-style: chr13-32340185-A-T. GRCh37 (hg19) VCF-style: chr13-32914322-A-T.
Other names: c.5830A>T, p.Lys1944Ter (NM_001406719.1, NM_001406720.1); c.1910-4373A>T (NM_001406721.1); c.425-4373A>T (NM_001406722.1); short protein forms K1944*.
Identifiers: ClinVar variation 2857286 (VCV002857286.3), dbSNP rs1555284415, ClinGen allele CA387787322.